The following is an entry in ClinVar:

ClinVar aggregate classification (germline): Uncertain significance. Review status: criteria provided, multiple submitters, no conflicts (2 of 4 stars). 4 submissions from 4 submitters: Uncertain significance (4). Last evaluated 2022-03-23.

Conditions:
Cardiovascular phenotype. Identifiers: MedGen CN230736.

Allele frequency attached by ClinVar (database versions not stated): gnomAD exomes below 0.00001.

Submissions (4):

Ambry Genetics
Classification: Uncertain significance for Cardiovascular phenotype. Last evaluated: 2022-03-23. Review status: criteria provided, single submitter. Criteria: Ambry Variant Classification Scheme 2023. Collection method: clinical testing. Allele origin: germline.
Comment: The p.P552L variant (also known as c.1655C>T), located in coding exon 4 of the JPH2 gene, results from a C to T substitution at nucleotide position 1655. The proline at codon 552 is replaced by leucine, an amino acid with similar properties. This amino acid position is conserved. In addition, this alteration is predicted to be tolerated by in silico analysis. Since supporting evidence is limited at this time, the clinical significance of this alteration remains unclear.

Blueprint Genetics
Classification: Uncertain significance. Last evaluated: 2021-07-28. Review status: criteria provided, single submitter. Criteria: ACMG Guidelines, 2015. Collection method: clinical testing. Allele origin: germline.

GeneDx
Classification: Uncertain significance. Last evaluated: 2019-12-24. Review status: criteria provided, single submitter. Criteria: GeneDx Variant Classification Process June 2021. Collection method: clinical testing. Allele origin: germline. Affected: yes.
Comment: Has not been previously published as pathogenic or benign to our knowledge; Reported in ClinVar as a variant of uncertain significance by another clinical laboratory (ClinVar Variant ID# 228752; Landrum et al., 2016); Not observed in large population cohorts (Lek et al., 2016); In silico analysis, which includes protein predictors and evolutionary conservation, supports that this variant does not alter protein structure/function

Laboratory for Molecular Medicine, Mass General Brigham Personalized Medicine
Classification: Uncertain significance. Last evaluated: 2016-01-26. Review status: criteria provided, single submitter. Criteria: LMM Criteria. Collection method: clinical testing. Allele origin: germline. Observed: 2 variant alleles.
Comment: The p.Pro552Leu variant in JPH2 has not been previously reported in individuals with cardiomyopathy and data from large population studies is insufficient to as sess the frequency of this variant. Computational prediction tools and conservat ion analysis do not provide strong support for or against an impact to the prote in. In summary, the clinical significance of the p.Pro552Leu variant is uncertai n.

NM_020433.5(JPH2):c.1655C>T (p.Pro552Leu)

Gene: JPH2 (junctophilin 2; minus strand). Cytogenetic location: 20q13.12.
Variant type: single nucleotide variant.
Coding change: c.1655C>T on transcript NM_020433.5 (MANE Select); coding-DNA position 1655, C replaced by T.
Protein change: p.Pro552Leu; replaces proline 552 with leucine.
Molecular consequence: missense variant.
Genome position (GRCh38, 1-based): chr20:44,116,020, G>A on the plus strand (C>T on the coding strand, the complement: JPH2 is on the minus strand). VCF-style: chr20-44116020-G-A. GRCh37 (hg19) VCF-style: chr20-42744660-G-A.
Other names: short protein forms P552L.
Identifiers: ClinVar variation 228752 (VCV000228752.9), dbSNP rs876657833, ClinGen allele CA10577121.
Genomic context (GRCh38, chr20:44,116,020, plus strand): 5'-CGCACAGCATAGCTGTGGTAGCCCTGGTAAAGCGCCACCTCCGGCTCCCGCGACGGCGCA[G>A]GCGGTGCCTGCAGAGCCTCGATGGCCATGCGCTCGGTGGCTGGACGCGCGGGGCTGCGGC-3'
Protein context (NP_065166.2, residues 542-562): RMAIEALQAP[Pro552Leu]APSREPEVAL